The following is an entry in ClinVar:

NM_033056.4(PCDH15):c.4559del (p.Asp1520fs)

Gene: PCDH15 (protocadherin related 15; minus strand). Cytogenetic location: 10q21.1.
Variant type: Deletion.
Coding change: c.4559del on transcript NM_033056.4 (MANE Plus Clinical); coding-DNA position 4559, one base deleted (A; older notation c.4559delA).
Protein change: p.Asp1520fs; shifts the reading frame from aspartic acid 1520.
Molecular consequence: frameshift variant. On other transcripts: intron variant (8).
Genome position (GRCh38, 1-based): chr10:53,823,167, T deleted on the plus strand (A on the coding strand, the reverse complement: PCDH15 is on the minus strand). VCF-style (leftmost placement, unchanged base first): chr10-53823166-AT-A. GRCh37 (hg19) VCF-style: chr10-55582926-AT-A.
Other names: c.4580del, p.Asp1527fs (NM_001142763.2); c.4565del, p.Asp1522fs (NM_001142764.2); c.4352del, p.Asp1451fs (NM_001142765.2); c.4550del, p.Asp1517fs (NM_001142766.2); c.4439del, p.Asp1480fs (NM_001142767.2); c.4499del, p.Asp1500fs (NM_001142768.2); c.4490del, p.Asp1497fs (NM_001142773.2); c.4493del, p.Asp1498fs (NM_001354404.2); and 6 more; short protein forms D1498fs, D1500fs, D1451fs, D1517fs, D1527fs, D1520fs, D1522fs, D1480fs.
Identifiers: ClinVar variation 2846275 (VCV002846275.3), dbSNP rs2492409608, ClinGen allele CA2739265382.

ClinVar aggregate classification (germline): Pathogenic (1 of 4 stars; one submission).

Submission:

Labcorp Genetics (formerly Invitae), Labcorp
Classification: Pathogenic. Last evaluated: 2023-03-16. Review status: criteria provided, single submitter. Criteria: Invitae Variant Classification Sherloc (09022015). Collection method: clinical testing. Allele origin: germline.
Comment: For these reasons, this variant has been classified as Pathogenic. This variant disrupts a region of the PCDH15 protein in which other variant(s) (p.Val1578Alafs*6) have been determined to be pathogenic (PMID: 33089500). This suggests that this is a clinically significant region of the protein, and that variants that disrupt it are likely to be disease-causing. This variant has not been reported in the literature in individuals affected with PCDH15-related conditions. This variant is not present in population databases (gnomAD no frequency). This sequence change creates a premature translational stop signal (p.Asp1520Valfs*3) in the PCDH15 gene. While this is not anticipated to result in nonsense mediated decay, it is expected to disrupt the last 436 amino acid(s) of the PCDH15 protein.

Literature cited by the submitters: PubMed 33089500.